The following is an entry in ClinVar:

NM_003105.6(SORL1):c.6172-3C>T

Gene: SORL1 (sortilin related receptor 1; plus strand). Cytogenetic location: 11q24.1.
Variant type: single nucleotide variant.
Coding change: c.6172-3C>T on transcript NM_003105.6 (MANE Select); 3 bases into the intron before coding-DNA position 6172, C replaced by T.
Molecular consequence: intron variant.
Genome position (GRCh38, 1-based): chr11:121,625,082, C>T. VCF-style: chr11-121625082-C-T. GRCh37 (hg19) VCF-style: chr11-121495791-C-T.
Identifiers: ClinVar variation 2183765 (VCV002183765.4), dbSNP rs370304688, ClinGen allele CA6330211.

ClinVar aggregate classification (germline): Uncertain significance (1 of 4 stars; one submission).

Allele frequency attached by ClinVar (database versions not stated): TOPMed 0.00006; gnomAD 0.00007; gnomAD exomes 0.00007; ExAC 0.00013; ESP Exome Variant Server 0.00038.
gnomAD v4.1: 113 of 1,600,208 alleles (0.0071%); highest among the groups gnomAD compares: Non-Finnish European, 0.0084%; no homozygotes.

Submission:

Labcorp Genetics (formerly Invitae), Labcorp
Classification: Uncertain significance. Last evaluated: 2021-12-23. Review status: criteria provided, single submitter. Criteria: Invitae Variant Classification Sherloc (09022015). Collection method: clinical testing. Allele origin: germline.
Comment: This sequence change falls in intron 45 of the SORL1 gene. It does not directly change the encoded amino acid sequence of the SORL1 protein. It affects a nucleotide within the consensus splice site. This variant is present in population databases (rs370304688, gnomAD 0.02%). This variant has not been reported in the literature in individuals affected with SORL1-related conditions. Variants that disrupt the consensus splice site are a relatively common cause of aberrant splicing (PMID: 17576681, 9536098). Algorithms developed to predict the effect of sequence changes on RNA splicing suggest that this variant is not likely to affect RNA splicing. In summary, the available evidence is currently insufficient to determine the role of this variant in disease. Therefore, it has been classified as a Variant of Uncertain Significance.

Literature cited by the submitters: PubMed 17576681; PubMed 9536098.